The following is an entry in ClinVar:

ClinVar aggregate classification (germline): Likely pathogenic (0 of 4 stars; one submission).

Conditions:
Congenital secretory diarrhea, chloride type (DIAR1). Also called: DIARRHEA 1, SECRETORY CHLORIDE, CONGENITAL; CHLORIDORRHEA, CONGENITAL; CHLORIDE DIARRHEA, CONGENITAL, FINNISH TYPE. Identifiers: Orphanet 53689, MedGen C0267662, MONDO:0008964, OMIM 214700.

Allele frequency attached by ClinVar (database versions not stated): TOPMed below 0.00001; gnomAD 0.00001.

Submission:

Juha Muilu Group; Institute for Molecular Medicine Finland (FIMM)
Classification: Likely pathogenic for Congenital secretory diarrhea, chloride type. Review status: no assertion criteria provided. Collection method: not provided. Allele origin: unknown.
Comment: FinDis database variant: This variant was not found or characterized by our laboratory, data were collected from public sources: see reference
ClinVar note: Converted during submission from probable-pathogenic to Likely pathogenic.

NM_000111.3(SLC26A3):c.408G>A (p.Met136Ile)

Gene: SLC26A3 (solute carrier family 26 member 3; minus strand). Cytogenetic location: 7q22.3.
Variant type: single nucleotide variant.
Coding change: c.408G>A on transcript NM_000111.3 (MANE Select); coding-DNA position 408, G replaced by A.
Protein change: p.Met136Ile; replaces methionine 136 with isoleucine.
Molecular consequence: missense variant.
Genome position (GRCh38, 1-based): chr7:107,791,210, C>T on the plus strand (G>A on the coding strand, the complement: SLC26A3 is on the minus strand). VCF-style: chr7-107791210-C-T. GRCh37 (hg19) VCF-style: chr7-107431655-C-T.
Other names: short protein forms M136I.
Identifiers: ClinVar variation 56002 (VCV000056002.2), dbSNP rs386833483, ClinGen allele CA144102.
Genomic context (GRCh38, chr7:107,791,210, plus strand): 5'-AGTAGTTGCATTGCGATCTGGGACTGCTTTTGAAACTGCTCCTGAAACTGCTAGTCCCAC[C>T]ATCATACTCAGAATCGGAAACGGACCTAATTAACAGTGGGTGAATCGTGGTCAGTATATG-3'
Protein context (NP_000102.1, residues 126-146): SVGPFPILSM[Met136Ile]VGLAVSGAVS